The following is an entry in ClinVar:

NM_002528.7(NTHL1):c.652A>C (p.Met218Leu)

Gene: NTHL1 (nth like DNA glycosylase 1; minus strand). Cytogenetic location: 16p13.3.
Variant type: single nucleotide variant.
Coding change: c.652A>C on transcript NM_002528.7 (MANE Select); coding-DNA position 652, A replaced by C.
Protein change: p.Met218Leu; replaces methionine 218 with leucine.
Molecular consequence: missense variant.
Genome position (GRCh38, 1-based): chr16:2,043,600, T>G on the plus strand (A>C on the coding strand, the complement: NTHL1 is on the minus strand). VCF-style: chr16-2043600-T-G. GRCh37 (hg19) VCF-style: chr16-2093601-T-G.
Other names: c.481A>C, p.Met161Leu (NM_001318193.2); c.322A>C, p.Met108Leu (NM_001318194.2); short protein forms M108L, M161L, M218L.
Identifiers: ClinVar variation 4861238 (VCV004861238.1).

ClinVar aggregate classification (germline): Uncertain significance (1 of 4 stars; one submission).

Conditions:
Hereditary cancer-predisposing syndrome. Also called: Neoplastic Syndromes, Hereditary; Tumor predisposition; Hereditary Cancer Syndrome; Hereditary neoplastic syndrome. Identifiers: Orphanet 140162, MedGen C0027672, MeSH D009386, MONDO:0015356.

Submission:

Ambry Genetics
Classification: Uncertain significance for Hereditary cancer-predisposing syndrome. Last evaluated: 2026-06-05. Review status: criteria provided, single submitter. Criteria: Ambry Variant Classification Scheme 2023. Collection method: clinical testing. Allele origin: germline.
Comment: The p.M226L variant (also known as c.676A>C), located in coding exon 4 of the NTHL1 gene, results from an A to C substitution at nucleotide position 676. The methionine at codon 226 is replaced by leucine, an amino acid with highly similar properties. This amino acid position is conserved. In addition, this alteration is predicted to be deleterious by in silico analysis. Based on the available evidence, the clinical significance of this variant remains unclear.